The following is an entry in ClinVar:

NM_004415.4(DSP):c.2503G>A (p.Ala835Thr)

Gene: DSP (desmoplakin; plus strand). Cytogenetic location: 6p24.3.
Variant type: single nucleotide variant.
Coding change: c.2503G>A on transcript NM_004415.4 (MANE Select); coding-DNA position 2503, G replaced by A.
Protein change: p.Ala835Thr; replaces alanine 835 with threonine.
Molecular consequence: missense variant.
Genome position (GRCh38, 1-based): chr6:7,575,361, G>A. VCF-style: chr6-7575361-G-A. GRCh37 (hg19) VCF-style: chr6-7575594-G-A.
Other names: c.2503G>A, p.Ala835Thr (NM_001008844.3, NM_001319034.2); short protein forms A835T.
Identifiers: ClinVar variation 5035653 (VCV005035653.1).

ClinVar aggregate classification (germline): Uncertain significance (1 of 4 stars; one submission).

Conditions:
Cardiovascular phenotype. Identifiers: MedGen CN230736.

Submission:

Ambry Genetics
Classification: Uncertain significance for Cardiovascular phenotype. Last evaluated: 2026-07-21. Review status: criteria provided, single submitter. Criteria: Ambry Variant Classification Scheme 2023. Collection method: clinical testing. Allele origin: germline.
Comment: The p.A835T variant (also known as c.2503G>A), located in coding exon 18 of the DSP gene, results from a G to A substitution at nucleotide position 2503. The alanine at codon 835 is replaced by threonine, an amino acid with similar properties. This amino acid position is conserved. In addition, this alteration is predicted to be tolerated by in silico analysis. Based on the available evidence, the clinical significance of this variant remains unclear.